The following is an entry in ClinVar:

ClinVar aggregate classification (germline): Uncertain significance. Review status: criteria provided, multiple submitters, no conflicts (2 of 4 stars). 2 submissions from 2 submitters: Uncertain significance (2). Last evaluated 2025-06-12.

Conditions:
Inborn genetic diseases. Identifiers: MedGen C0950123, MeSH D030342.

Allele frequency attached by ClinVar (database versions not stated): ExAC 0.00005; ESP Exome Variant Server 0.00008; TOPMed 0.00015; gnomAD 0.00017; 1000 Genomes Project 30x 0.00031; 1000 Genomes Project 0.00040.
gnomAD v4.1: 42 of 1,613,998 alleles (0.0026%); highest among the groups gnomAD compares: African/African-American, 0.044%; no homozygotes.

Submissions (2):

Labcorp Genetics (formerly Invitae), Labcorp
Classification: Uncertain significance. Last evaluated: 2025-06-12. Review status: criteria provided, single submitter. Criteria: Invitae Variant Classification Sherloc (09022015). Collection method: clinical testing. Allele origin: germline.
Comment: This sequence change replaces glutamic acid, which is acidic and polar, with aspartic acid, which is acidic and polar, at codon 804 of the NRIP1 protein (p.Glu804Asp). This variant is present in population databases (rs377628831, gnomAD 0.05%). This variant has not been reported in the literature in individuals affected with NRIP1-related conditions. ClinVar contains an entry for this variant (Variation ID: 1984237). An algorithm developed to predict the effect of missense changes on protein structure and function (PolyPhen-2) suggests that this variant is likely to be disruptive. In summary, the available evidence is currently insufficient to determine the role of this variant in disease. Therefore, it has been classified as a Variant of Uncertain Significance.

Ambry Genetics
Classification: Uncertain significance for Inborn genetic diseases. Last evaluated: 2024-01-04. Review status: criteria provided, single submitter. Criteria: Ambry Variant Classification Scheme 2023. Collection method: clinical testing. Allele origin: germline.

NM_003489.4(NRIP1):c.2412G>T (p.Glu804Asp)

Gene: NRIP1 (nuclear receptor interacting protein 1; minus strand). Cytogenetic location: 21q11.2.
Variant type: single nucleotide variant.
Coding change: c.2412G>T on transcript NM_003489.4 (MANE Select); coding-DNA position 2412, G replaced by T.
Protein change: p.Glu804Asp; replaces glutamic acid 804 with aspartic acid.
Molecular consequence: missense variant.
Genome position (GRCh38, 1-based): chr21:14,965,781, C>A on the plus strand (G>T on the coding strand, the complement: NRIP1 is on the minus strand). VCF-style: chr21-14965781-C-A. GRCh37 (hg19) VCF-style: chr21-16338102-C-A.
Other names: c.2412G>T (NM_003489.3); short protein forms E804D.
Identifiers: ClinVar variation 1984237 (VCV001984237.5), dbSNP rs377628831, ClinGen allele CA9981145.
Genomic context (GRCh38, chr21:14,965,781, plus strand): 5'-TCTTAGCAATCGACTTAGCAGACCATTCTTGGAGAAAGAAAAATCCTGAGGTGAAACAGG[C>A]TCCGATTTAAAGTCTTCGGACACTGGTAAGGCAGGTGCGCTTCTCTGCACAGCAGGAGCC-3'
Protein context (NP_003480.2, residues 794-814): ALPVSEDFKS[Glu804Asp]PVSPQDFSFS